The following is an entry in ClinVar:

ClinVar aggregate classification (germline): Conflicting classifications of pathogenicity. Review status: criteria provided, conflicting classifications (1 of 4 stars). 4 submissions from 4 submitters: Uncertain significance (1); Benign (1); Likely benign (2). Last evaluated 2025-12-15.

Conditions:
Multiple endocrine neoplasia, type 1 (MEN1). Also called: MEN I; WERMER SYNDROME; Endocrine adenomatosis multiple; MEN 1; MEA I. Identifiers: Orphanet 652, MedGen C0025267, MeSH D018761, MONDO:0007540, OMIM 131100.
Hereditary cancer-predisposing syndrome. Also called: Hereditary Cancer Syndrome; Hereditary neoplastic syndrome; Tumor predisposition; Neoplastic Syndromes, Hereditary. Identifiers: Orphanet 140162, MedGen C0027672, MeSH D009386, MONDO:0015356.

Allele frequency attached by ClinVar (database versions not stated): gnomAD exomes below 0.00001 and 0.00001; gnomAD 0.00001 and 0.00002; TOPMed 0.00001.
gnomAD v4.1: 5 of 1,614,010 alleles (0.00031%); highest among the groups gnomAD compares: African/African-American, 0.0053%; no homozygotes.

Submissions (4):

Labcorp Genetics (formerly Invitae), Labcorp
Classification: Likely benign for Multiple endocrine neoplasia, type 1. Last evaluated: 2025-12-15. Review status: criteria provided, single submitter. Criteria: Invitae Variant Classification Sherloc (09022015). Collection method: clinical testing. Allele origin: germline.

Myriad Genetics, Inc.
Classification: Benign for Multiple endocrine neoplasia, type 1. Last evaluated: 2024-11-05. Review status: criteria provided, single submitter. Criteria: Myriad Autosomal Dominant, Autosomal Recessive and X-Linked Classification Criteria (2023). Collection method: clinical testing. Allele origin: unknown.
Comment: This variant is considered benign. This variant is a silent/synonymous amino acid change and it is not expected to impact splicing.

Ambry Genetics
Classification: Likely benign for Hereditary cancer-predisposing syndrome. Last evaluated: 2023-07-01. Review status: criteria provided, single submitter. Criteria: Ambry Variant Classification Scheme 2023. Collection method: clinical testing. Allele origin: germline.

All of Us Research Program, National Institutes of Health
Classification: Uncertain significance for Multiple endocrine neoplasia, type 1. Last evaluated: 2023-06-26. Review status: criteria provided, single submitter. Criteria: ACMG Guidelines, 2015. Collection method: clinical testing. Allele origin: germline. Inheritance: Autosomal dominant inheritance. Observed: 1 variant allele, 1 heterozygote.
Comment: This variant is located in the MEN1 protein. To our knowledge, functional studies have not been reported for this variant. This variant has not been reported in individuals affected with MEN1-related disorders in the literature. This variant has been identified in 2/251466 chromosomes in the general population by the Genome Aggregation Database (gnomAD). The available evidence is insufficient to determine the role of this variant in disease conclusively. Therefore, this variant is classified as a Variant of Uncertain Significance.

This study involves interpretation of variants in research participants for the purpose of population health screening. Participant phenotype was not available at the time of variant classification. Additional details can be found in publication PMID: 35346344, PMCID: PMC8962531

NM_001370259.2(MEN1):c.1779C>T (p.Ser593=)

Gene: MEN1 (menin 1; minus strand). Cytogenetic location: 11q13.1.
Variant type: single nucleotide variant.
Coding change: c.1779C>T on transcript NM_001370259.2 (MANE Select); coding-DNA position 1779, C replaced by T.
Protein change: p.Ser593=; no amino-acid change (serine 593 retained).
Molecular consequence: synonymous variant.
Genome position (GRCh38, 1-based): chr11:64,804,388, G>A on the plus strand (C>T on the coding strand, the complement: MEN1 is on the minus strand). VCF-style: chr11-64804388-G-A. GRCh37 (hg19) VCF-style: chr11-64571860-G-A.
Other names: c.1794C>T, p.Ser598= (NM_000244.4, NM_130800.3, NM_130801.3 and 3 more transcripts); c.1905C>T, p.Ser635= (NM_001370251.2); c.1779C>T, p.Ser593= (NM_001370260.2, NM_001370261.2, NM_130799.3); c.1674C>T, p.Ser558= (NM_001370262.2, NM_001370263.2).
Identifiers: ClinVar variation 457314 (VCV000457314.14), dbSNP rs1157546350, ClinGen allele CA475163001.